The following is an entry in ClinVar:

NM_001360016.2(G6PD):c.701T>C (p.Ile234Thr)

Gene: G6PD (glucose-6-phosphate dehydrogenase; minus strand). Cytogenetic location: Xq28.
Variant type: single nucleotide variant.
Coding change: c.701T>C on transcript NM_001360016.2 (MANE Select); coding-DNA position 701, T replaced by C.
Protein change: p.Ile234Thr; replaces isoleucine 234 with threonine.
Molecular consequence: missense variant.
Genome position (GRCh38, 1-based): chrX:154,534,104, A>G on the plus strand (T>C on the coding strand, the complement: G6PD is on the minus strand). VCF-style: chrX-154534104-A-G. GRCh37 (hg19) VCF-style: chrX-153762319-A-G.
Other names: G6PD Shoklo; c.791T>C, p.Ile264Thr (NM_000402.4); c.701T>C, p.Ile234Thr (NM_001042351.3); short protein forms I234T, I264T.
Identifiers: ClinVar variation 1722700 (VCV001722700.2), dbSNP rs2523266784, ClinGen allele CA415236589.
Genomic context (GRCh38, chrX:154,534,104, plus strand): 5'-CCAAATTCATCGAAATAGCCCCCGCGACCCTCAGTGCCAAAGGGCTCCTTGAAGGTGAGG[A>G]TAACGCAGGCGATGTTGTCCCGGTTCCAGATGGGGCCGAAGATCCTGTTGGCAAATCTGC-3'
Protein context (NP_001346945.1, residues 224-244): IWNRDNIACV[Ile234Thr]LTFKEPFGTE

ClinVar aggregate classification (germline): Uncertain significance (1 of 4 stars; one submission).

Conditions:
Anemia, nonspherocytic hemolytic, due to G6PD deficiency (CNSHA1). Also called: Hemolytic anemia due to G6PD deficiency; Class I glucose-6-phosphate dehydrogenase deficiency; Favism, susceptibility to; ANEMIA, CONGENITAL, NONSPHEROCYTIC HEMOLYTIC, 1. Identifiers: Orphanet 466026, MedGen C2720289, MONDO:0010480, OMIM 300908.

Submission:

Dunham Lab, University of Washington
Classification: Uncertain significance for Anemia, nonspherocytic hemolytic, due to G6PD deficiency. Last evaluated: 2022-08-12. Review status: criteria provided, single submitter. Criteria: Bayesian ACMG Guidelines, 2018. Collection method: curation. Allele origin: unknown. Affected: yes.
Comment: Decreased activity when expressed in E. coli (PS3_M). Not found in gnomAD (PM2). Post_P 0.812 (odds of pathogenicity 39.0, Prior_P 0.1).

Literature cited by the submitters: PubMed 28852037; PubMed 34934109.